The following is an entry in ClinVar:

NM_000432.4(MYL2):c.42C>T (p.Asn14=)

Genes: MYL2 (myosin light chain 2; minus strand), LOC114827850 (VISTA enhancer hs2149; plus strand). Cytogenetic location: 12q24.11.
Variant type: single nucleotide variant.
Coding change: c.42C>T on transcript NM_000432.4 (MANE Select); coding-DNA position 42, C replaced by T.
Protein change: p.Asn14=; no amino-acid change (asparagine 14 retained).
Molecular consequence: synonymous variant.
Genome position (GRCh38, 1-based): chr12:110,919,155, G>A on the plus strand (C>T on the coding strand, the complement: MYL2 is on the minus strand). VCF-style: chr12-110919155-G-A. GRCh37 (hg19) VCF-style: chr12-111356959-G-A.
Identifiers: ClinVar variation 237783 (VCV000237783.17), dbSNP rs878853980, ClinGen allele CA10582959.
Genomic context (GRCh38, chr12:110,919,155, plus strand): 5'-TGCACCCACCTCCTTAAATTCCTGGATTTGGGTCTGTTCGAACATGGAGAACACGTTGGA[G>A]TTGGCGCCCCCGGCTCTCTTCTTTGCTTTCTTAGGTGCCTGGGGGAAAAAAGCATCGATT-3'
Protein context (NP_000423.2, residues 4-24): KKAKKRAGGA[Asn14=]SNVFSMFEQT

ClinVar aggregate classification (germline): Likely benign. Review status: criteria provided, multiple submitters, no conflicts (2 of 4 stars). 4 submissions from 4 submitters: Likely benign (4). Last evaluated 2026-01-20.

Conditions:
Cardiovascular phenotype. Identifiers: MedGen CN230736.
Cardiomyopathy (CMYO). Also called: Cardiomyopathies. Identifiers: Orphanet 167848, MedGen C0878544, MONDO:0004994, HP:0001638. Inheritance: Various modes of inheritance.
Hypertrophic cardiomyopathy 10. Also called: CARDIOMYOPATHY, HYPERTROPHIC, MID-LEFT VENTRICULAR CHAMBER TYPE, 2; MYL2-Related Familial Hypertrophic Cardiomyopathy. Identifiers: MedGen C1834460, MONDO:0012112, OMIM 608758.
Hypertrophic cardiomyopathy. Also called: HYPERTROPHIC MYOCARDIOPATHY. Identifiers: Orphanet 217569, MedGen C0007194, MeSH D002312, MONDO:0005045, HP:0001639.

Allele frequency attached by ClinVar (database versions not stated): gnomAD exomes 0.00001; gnomAD 0.00002; TOPMed 0.00002.
gnomAD v4.1: 18 of 1,613,772 alleles (0.0011%); highest among the groups gnomAD compares: Non-Finnish European, 0.0014%; no homozygotes.

Submissions (4):

Labcorp Genetics (formerly Invitae), Labcorp
Classification: Likely benign for Hypertrophic cardiomyopathy 10. Last evaluated: 2026-01-20. Review status: criteria provided, single submitter. Criteria: Invitae Variant Classification Sherloc (09022015). Collection method: clinical testing. Allele origin: germline.

All of Us Research Program, National Institutes of Health
Classification: Likely benign for Hypertrophic cardiomyopathy. Last evaluated: 2024-08-29. Review status: criteria provided, single submitter. Criteria: ACMG Guidelines, 2015. Collection method: clinical testing. Allele origin: germline. Inheritance: Autosomal dominant inheritance. Observed: 4 variant alleles, 4 heterozygotes.
Comment: This study involves interpretation of variants in research participants for the purpose of population health screening. Participant phenotype was not available at the time of variant classification. Additional details can be found in publication PMID: 35346344, PMCID: PMC8962531

Color Diagnostics, LLC DBA Color Health
Classification: Likely benign for Cardiomyopathy. Last evaluated: 2019-10-14. Review status: criteria provided, single submitter. Criteria: ACMG Guidelines, 2015. Collection method: clinical testing. Allele origin: germline.

Ambry Genetics
Classification: Likely benign for Cardiovascular phenotype. Last evaluated: 2019-03-22. Review status: criteria provided, single submitter. Criteria: Ambry Variant Classification Scheme 2023. Collection method: clinical testing. Allele origin: germline.